The following is an entry in ClinVar:

ClinVar aggregate classification (germline): Uncertain significance. Review status: criteria provided, multiple submitters, no conflicts (2 of 4 stars). 2 submissions from 2 submitters: Uncertain significance (2). Last evaluated 2026-08-18.

Conditions:
Hereditary cancer-predisposing syndrome. Also called: Neoplastic Syndromes, Hereditary; Hereditary Cancer Syndrome; Hereditary neoplastic syndrome; Tumor predisposition. Identifiers: Orphanet 140162, MedGen C0027672, MeSH D009386, MONDO:0015356.
Cardiovascular phenotype. Identifiers: MedGen CN230736.
Neurofibromatosis, type 1 (NF1). Also called: VON RECKLINGHAUSEN DISEASE; Neurofibromatosis, type I; Peripheral type neurofibromatosis; NEUROFIBROMATOSIS, TYPE I, SOMATIC. Identifiers: Orphanet 636, MedGen C0027831, MONDO:0018975, OMIM 162200. Disease mechanism: loss of function.

Allele frequency attached by ClinVar (database versions not stated): gnomAD exomes below 0.00001; TOPMed below 0.00001; ExAC 0.00001.
gnomAD v4.1: 4 of 1,605,256 alleles (0.00025%); highest among the groups gnomAD compares: Non-Finnish European, 0.00034%; no homozygotes.

Submissions (2):

Ambry Genetics
Classification: Uncertain significance for Cardiovascular phenotype; Hereditary cancer-predisposing syndrome. Last evaluated: 2026-08-18. Review status: criteria provided, single submitter. Criteria: Ambry Variant Classification Scheme 2023. Collection method: clinical testing. Allele origin: germline.
Comment: The p.H1439R variant (also known as c.4316A>G), located in coding exon 32 of the NF1 gene, results from an A to G substitution at nucleotide position 4316. The histidine at codon 1439 is replaced by arginine, an amino acid with highly similar properties. This amino acid position is well conserved in available vertebrate species. In addition, this alteration is predicted to be deleterious by in silico analysis. Based on the available evidence, the clinical significance of this variant remains unclear.

Labcorp Genetics (formerly Invitae), Labcorp
Classification: Uncertain significance for Neurofibromatosis, type 1. Last evaluated: 2025-08-07. Review status: criteria provided, single submitter. Criteria: Invitae Variant Classification Sherloc (09022015). Collection method: clinical testing. Allele origin: germline.
Comment: This sequence change replaces histidine, which is basic and polar, with arginine, which is basic and polar, at codon 1439 of the NF1 protein (p.His1439Arg). This variant is present in population databases (rs748990989, gnomAD 0.001%). This missense change has been observed in individual(s) with neurofibromatosis type 1 (PMID: 23668869). ClinVar contains an entry for this variant (Variation ID: 641811). Invitae Evidence Modeling of protein sequence and biophysical properties (such as structural, functional, and spatial information, amino acid conservation, physicochemical variation, residue mobility, and thermodynamic stability) indicates that this missense variant is expected to disrupt NF1 protein function with a positive predictive value of 95%. In summary, the available evidence is currently insufficient to determine the role of this variant in disease. Therefore, it has been classified as a Variant of Uncertain Significance.

Literature cited by the submitters: PubMed 23668869 (cited by Ambry Genetics and Labcorp Genetics (formerly Invitae), Labcorp).

NM_001042492.3(NF1):c.4379A>G (p.His1460Arg)

Gene: NF1 (neurofibromin 1; plus strand). Cytogenetic location: 17q11.2.
Variant type: single nucleotide variant.
Coding change: c.4379A>G on transcript NM_001042492.3 (MANE Select); coding-DNA position 4379, A replaced by G.
Protein change: p.His1460Arg; replaces histidine 1460 with arginine.
Molecular consequence: missense variant.
Genome position (GRCh38, 1-based): chr17:31,259,078, A>G. VCF-style: chr17-31259078-A-G. GRCh37 (hg19) VCF-style: chr17-29586096-A-G.
Other names: c.4316A>G, p.His1439Arg (NM_000267.4); short protein forms H1439R, H1460R.
Identifiers: ClinVar variation 641811 (VCV000641811.7), dbSNP rs748990989, ClinGen allele CA8486401.